The following is an entry in ClinVar:

NM_017617.5(NOTCH1):c.6383C>T (p.Pro2128Leu)

Gene: NOTCH1 (notch receptor 1; minus strand). Cytogenetic location: 9q34.3.
Variant type: single nucleotide variant.
Coding change: c.6383C>T on transcript NM_017617.5 (MANE Select); coding-DNA position 6383, C replaced by T.
Protein change: p.Pro2128Leu; replaces proline 2128 with leucine.
Molecular consequence: missense variant.
Genome position (GRCh38, 1-based): chr9:136,497,356, G>A on the plus strand (C>T on the coding strand, the complement: NOTCH1 is on the minus strand). VCF-style: chr9-136497356-G-A. GRCh37 (hg19) VCF-style: chr9-139391808-G-A.
Other names: short protein forms P2128L.
Identifiers: ClinVar variation 962810 (VCV000962810.21), dbSNP rs770713134, ClinGen allele CA5339916.

ClinVar aggregate classification (germline): Conflicting classifications of pathogenicity. Review status: criteria provided, conflicting classifications (1 of 4 stars). 6 submissions from 5 submitters: Uncertain significance (4); Benign (1); Likely benign (1). Last evaluated 2025-09-03.

Conditions:
Adams-Oliver syndrome 5 (AOS5). Identifiers: Orphanet 974, MedGen C4014970, MONDO:0014459, OMIM 616028.
Aortic valve disease 1 (AOVD1). Identifiers: MedGen C3887892, MONDO:0024523, OMIM 109730.
Familial thoracic aortic aneurysm and aortic dissection (TAAD). Also called: Thoracic aortic aneurysms and dissections. Identifiers: Orphanet 91387, MedGen C4707243, MONDO:0019625.

Allele frequency attached by ClinVar (database versions not stated): gnomAD 0.00003 and 0.00004; gnomAD exomes 0.00003 and 0.00007; ExAC 0.00006; TOPMed 0.00009.
gnomAD v4.1: 48 of 1,606,806 alleles (0.003%); highest among the groups gnomAD compares: Admixed American, 0.023%; no homozygotes.

Submissions (6):

Women's Health and Genetics/Laboratory Corporation of America, LabCorp
Classification: Likely benign. Last evaluated: 2025-09-03. Review status: criteria provided, single submitter. Criteria: LabCorp Variant Classification Summary - May 2015. Collection method: clinical testing. Allele origin: germline.
Comment: Variant summary: NOTCH1 c.6383C>T (p.Pro2128Leu) results in a non-conservative amino acid change in the encoded protein sequence. Algorithms developed to predict the effect of missense changes on protein structure and function are either unavailable or do not agree on the potential impact of this missense change. The variant allele was found at a frequency of 7.1e-05 in 239524 control chromosomes. The observed variant frequency exceeds the estimated maximal expected allele frequency for disease-causing variants in NOTCH1. To our knowledge, no occurrence of c.6383C>T in individuals affected with NOTCH1-related conditions and no experimental evidence demonstrating its impact on protein function have been reported. ClinVar contains an entry for this variant (Variation ID: 962810). Based on the evidence outlined above, the variant was classified as likely benign.

Ambry Genetics
Classification: Uncertain significance for Familial thoracic aortic aneurysm and aortic dissection. Last evaluated: 2025-05-15. Review status: criteria provided, single submitter. Criteria: Ambry Variant Classification Scheme 2023. Collection method: clinical testing. Allele origin: germline.
Comment: The p.P2128L variant (also known as c.6383C>T), located in coding exon 34 of the NOTCH1 gene, results from a C to T substitution at nucleotide position 6383. The proline at codon 2128 is replaced by leucine, an amino acid with similar properties. This amino acid position is conserved. In addition, this alteration is predicted to be tolerated by in silico analysis. Since supporting evidence is limited at this time, the clinical significance of this alteration remains unclear.

Labcorp Genetics (formerly Invitae), Labcorp
Classification: Benign for Adams-Oliver syndrome 5. Last evaluated: 2025-04-12. Review status: criteria provided, single submitter. Criteria: Invitae Variant Classification Sherloc (09022015). Collection method: clinical testing. Allele origin: germline.

GeneDx
Classification: Uncertain significance. Last evaluated: 2023-08-31. Review status: criteria provided, single submitter. Criteria: GeneDx Variant Classification Process June 2021. Collection method: clinical testing. Allele origin: germline. Affected: yes.
Comment: Has not been previously published as pathogenic or benign to our knowledge; In silico analysis supports that this missense variant does not alter protein structure/function

Genome-Nilou Lab
Classification: Uncertain significance for Adams-Oliver syndrome 5. Last evaluated: 2022-03-15. Review status: criteria provided, single submitter. Criteria: ACMG Guidelines, 2015. Collection method: clinical testing. Allele origin: germline. Affected: no.

Genome-Nilou Lab
Classification: Uncertain significance for Aortic valve disease 1. Last evaluated: 2022-03-15. Review status: criteria provided, single submitter. Criteria: ACMG Guidelines, 2015. Collection method: clinical testing. Allele origin: germline. Affected: no.

Literature cited by the submitters: PubMed 24943832 (cited by Women's Health and Genetics/Laboratory Corporation of America, LabCorp); PubMed 16614245 (cited by Women's Health and Genetics/Laboratory Corporation of America, LabCorp); PubMed 21670202 (cited by Women's Health and Genetics/Laboratory Corporation of America, LabCorp); PubMed 22210878 (cited by Women's Health and Genetics/Laboratory Corporation of America, LabCorp); PubMed 19635999 (cited by Women's Health and Genetics/Laboratory Corporation of America, LabCorp); PubMed 26837699 (cited by Women's Health and Genetics/Laboratory Corporation of America, LabCorp); PubMed 23086750 (cited by Women's Health and Genetics/Laboratory Corporation of America, LabCorp); PubMed 19245433 (cited by Women's Health and Genetics/Laboratory Corporation of America, LabCorp); PubMed 22077063 (cited by Women's Health and Genetics/Laboratory Corporation of America, LabCorp); PubMed 15472075 (cited by Women's Health and Genetics/Laboratory Corporation of America, LabCorp); PubMed 23734977 (cited by Women's Health and Genetics/Laboratory Corporation of America, LabCorp); PubMed 22858860 (cited by Women's Health and Genetics/Laboratory Corporation of America, LabCorp).